The following is an entry in ClinVar:

NM_020693.4(DSCAML1):c.5950G>A (p.Ala1984Thr)

Gene: DSCAML1 (DS cell adhesion molecule like 1; minus strand). Cytogenetic location: 11q23.3.
Variant type: single nucleotide variant.
Coding change: c.5950G>A on transcript NM_020693.4 (MANE Select); coding-DNA position 5950, G replaced by A.
Protein change: p.Ala1984Thr; replaces alanine 1984 with threonine.
Molecular consequence: missense variant.
Genome position (GRCh38, 1-based): chr11:117,428,540, C>T on the plus strand (G>A on the coding strand, the complement: DSCAML1 is on the minus strand). VCF-style: chr11-117428540-C-T. GRCh37 (hg19) VCF-style: chr11-117299256-C-T.
Other names: short protein forms A1984T.
Identifiers: ClinVar variation 1352558 (VCV001352558.6), dbSNP rs2137050100, ClinGen allele CA382751096.
Genomic context (GRCh38, chr11:117,428,540, plus strand): 5'-GAGGGGCAGCGCTGGGGGCGGTGGGTGGCTCAGCAGGGGTGGGGCCGGGGGCTGGGGGGG[C>T]TGTGCCGGCTGGGGGGGCTGGCATGGCCAGAGTCCTCTGAGGTAAGGTGGCTGTGGAGGC-3'
Protein context (NP_065744.3, residues 1974-1994): LAMPAPPAGT[Ala1984Thr]PPAPGPTPAE

ClinVar aggregate classification (germline): Uncertain significance (1 of 4 stars; one submission).

Allele frequency attached by ClinVar (database versions not stated): gnomAD exomes below 0.00001.
gnomAD v4.1: 1 of 1,512,706 alleles (0.000066%); highest among the groups gnomAD compares: South Asian, 0.0012%; no homozygotes.

Submission:

Labcorp Genetics (formerly Invitae), Labcorp
Classification: Uncertain significance. Last evaluated: 2024-08-05. Review status: criteria provided, single submitter. Criteria: Invitae Variant Classification Sherloc (09022015). Collection method: clinical testing. Allele origin: germline.
Comment: This sequence change replaces alanine, which is neutral and non-polar, with threonine, which is neutral and polar, at codon 2044 of the DSCAML1 protein (p.Ala2044Thr). This variant is not present in population databases (gnomAD no frequency). This variant has not been reported in the literature in individuals affected with DSCAML1-related conditions. ClinVar contains an entry for this variant (Variation ID: 1352558). An algorithm developed to predict the effect of missense changes on protein structure and function (PolyPhen-2) suggests that this variant is likely to be tolerated. In summary, the available evidence is currently insufficient to determine the role of this variant in disease. Therefore, it has been classified as a Variant of Uncertain Significance.